The following is an entry in ClinVar:

NM_001348800.3(ZBTB20):c.89A>G (p.Lys30Arg)

Genes: ZBTB20 (zinc finger and BTB domain containing 20; minus strand), ZBTB20-AS1 (ZBTB20 antisense RNA 1; plus strand). Cytogenetic location: 3q13.31.
Variant type: single nucleotide variant.
Coding change: c.89A>G on transcript NM_001348800.3 (MANE Select); coding-DNA position 89, A replaced by G.
Protein change: p.Lys30Arg; replaces lysine 30 with arginine.
Molecular consequence: missense variant. On other transcripts: 5 prime UTR variant (12), non-coding transcript variant (1).
Genome position (GRCh38, 1-based): chr3:114,380,327, T>C on the plus strand (A>G on the coding strand, the complement: ZBTB20 is on the minus strand). VCF-style: chr3-114380327-T-C. GRCh37 (hg19) VCF-style: chr3-114099174-T-C.
Other names: c.-131A>G (NM_001164344.4, NM_001164345.4, NM_001164346.2 and 9 more transcripts); c.89A>G, p.Lys30Arg (NM_001348803.3, NM_001393393.1, NM_001393394.1 and 1 more transcripts); short protein forms K30R.
Identifiers: ClinVar variation 2543542 (VCV002543542.5), dbSNP rs1276357389, ClinGen allele CA354021654.

ClinVar aggregate classification (germline): Uncertain significance. Review status: criteria provided, multiple submitters, no conflicts (2 of 4 stars). 2 submissions from 2 submitters: Uncertain significance (2). Last evaluated 2024-03-20.

Conditions:
Inborn genetic diseases. Identifiers: MedGen C0950123, MeSH D030342.

Allele frequency attached by ClinVar (database versions not stated): gnomAD 0.00001; gnomAD exomes 0.00001; TOPMed 0.00001.
gnomAD v4.1: 8 of 1,537,074 alleles (0.00052%); highest among the groups gnomAD compares: Admixed American, 0.002%; no homozygotes.

Submissions (2):

Ambry Genetics
Classification: Uncertain significance for Inborn genetic diseases. Last evaluated: 2024-03-20. Review status: criteria provided, single submitter. Criteria: Ambry Variant Classification Scheme 2023. Collection method: clinical testing. Allele origin: germline.
Comment: The c.89A>G (p.K30R) alteration is located in exon 3 (coding exon 2) of the ZBTB20 gene. This alteration results from an A to G substitution at nucleotide position 89, causing the lysine (K) at amino acid position 30 to be replaced by an arginine (R). for Primrose syndrome; however, it is unlikely to be causative of ZBTB20-related neurodevelopmental disorder. Based on data from gnomAD, the G allele has an overall frequency of 0.001% (1/152178) total alleles studied. The highest observed frequency was 0.007% (1/15274) of Admixed American alleles. This amino acid position is highly conserved in available vertebrate species. This missense alteration is located in a region that has a low rate of benign missense variation (Lek, 2016; Firth, 2009). This alteration is predicted to be tolerated by in silico analysis. Based on insufficient or conflicting evidence, the clinical significance of this alteration remains unclear.

Labcorp Genetics (formerly Invitae), Labcorp
Classification: Uncertain significance. Last evaluated: 2023-02-22. Review status: criteria provided, single submitter. Criteria: Invitae Variant Classification Sherloc (09022015). Collection method: clinical testing. Allele origin: germline.
Comment: This sequence change replaces lysine, which is basic and polar, with arginine, which is basic and polar, at codon 30 of the ZBTB20 protein (p.Lys30Arg). This variant is not present in population databases (gnomAD no frequency). This variant has not been reported in the literature in individuals affected with ZBTB20-related conditions. Advanced modeling of protein sequence and biophysical properties (such as structural, functional, and spatial information, amino acid conservation, physicochemical variation, residue mobility, and thermodynamic stability) has been performed at Invitae for this missense variant, however the output from this modeling did not meet the statistical confidence thresholds required to predict the impact of this variant on ZBTB20 protein function. In summary, the available evidence is currently insufficient to determine the role of this variant in disease. Therefore, it has been classified as a Variant of Uncertain Significance.